The following is an entry in ClinVar:

NM_030943.4(AMN):c.356G>T (p.Arg119Leu)

Gene: AMN (amnion associated transmembrane protein; plus strand). Cytogenetic location: 14q32.32.
Variant type: single nucleotide variant.
Coding change: c.356G>T on transcript NM_030943.4 (MANE Select); coding-DNA position 356, G replaced by T.
Protein change: p.Arg119Leu; replaces arginine 119 with leucine.
Molecular consequence: missense variant.
Genome position (GRCh38, 1-based): chr14:102,928,818, G>T. VCF-style: chr14-102928818-G-T. GRCh37 (hg19) VCF-style: chr14-103395155-G-T.
Other names: c.356G>T (NM_030943.3); short protein forms R119L.
Identifiers: ClinVar variation 1511773 (VCV001511773.6), dbSNP rs533436439, ClinGen allele CA7359899.

ClinVar aggregate classification (germline): Uncertain significance. Review status: criteria provided, multiple submitters, no conflicts (2 of 4 stars). 4 submissions from 4 submitters: Uncertain significance (4). Last evaluated 2024-08-26.

Conditions:
Imerslund-Grasbeck syndrome type 2. Also called: Megaloblastic anemia 1, Norwegian type; MEGALOBLASTIC ANEMIA, NORWEGIAN TYPE; Imerslund-Gräsbeck syndrome 2. Identifiers: MedGen C4016948, MONDO:0100157, OMIM 618882.
Imerslund-Grasbeck syndrome. Also called: Megaloblastic anemia due to inborn errors of metabolism; Imerslund-Gräsbeck syndrome; ENTEROCYTE COBALAMIN MALABSORPTION; ENTEROCYTE INTRINSIC FACTOR RECEPTOR, DEFECT OF; PERNICIOUS ANEMIA, JUVENILE, DUE TO SELECTIVE INTESTINAL MALABSORPTION OF VITAMIN B12, WITH PROTEINURIA. Identifiers: Orphanet 35858, MedGen C4551825, MONDO:0009853.
Inborn genetic diseases. Identifiers: MedGen C0950123, MeSH D030342.

Allele frequency attached by ClinVar (database versions not stated): gnomAD 0.00001 and 0.00003; TOPMed 0.00003.
gnomAD v4.1: 44 of 1,607,486 alleles (0.0027%); highest among the groups gnomAD compares: African/African-American, 0.029%; no homozygotes.

Submissions (4):

Ambry Genetics
Classification: Uncertain significance for Inborn genetic diseases. Last evaluated: 2024-08-26. Review status: criteria provided, single submitter. Criteria: Ambry Variant Classification Scheme 2023. Collection method: clinical testing. Allele origin: germline.

Blueprint Genetics
Classification: Uncertain significance. Last evaluated: 2024-03-01. Review status: criteria provided, single submitter. Criteria: ACMG Guidelines, 2015. Collection method: clinical testing. Allele origin: germline.

Labcorp Genetics (formerly Invitae), Labcorp
Classification: Uncertain significance for Imerslund-Grasbeck syndrome. Last evaluated: 2022-08-22. Review status: criteria provided, single submitter. Criteria: Invitae Variant Classification Sherloc (09022015). Collection method: clinical testing. Allele origin: germline.
Comment: This sequence change replaces arginine, which is basic and polar, with leucine, which is neutral and non-polar, at codon 119 of the AMN protein (p.Arg119Leu). The frequency data for this variant in the population databases is considered unreliable, as metrics indicate poor data quality at this position in the gnomAD database. This variant has not been reported in the literature in individuals affected with AMN-related conditions. ClinVar contains an entry for this variant (Variation ID: 1511773). Algorithms developed to predict the effect of missense changes on protein structure and function (SIFT, PolyPhen-2, Align-GVGD) all suggest that this variant is likely to be tolerated. In summary, the available evidence is currently insufficient to determine the role of this variant in disease. Therefore, it has been classified as a Variant of Uncertain Significance.

Fulgent Genetics
Classification: Uncertain significance for Imerslund-Grasbeck syndrome type 2. Last evaluated: 2022-03-30. Review status: criteria provided, single submitter. Criteria: ACMG Guidelines, 2015. Collection method: clinical testing. Allele origin: unknown.